The following is an entry in ClinVar:

ClinVar aggregate classification (germline): Pathogenic. Review status: reviewed by expert panel (3 of 4 stars). 7 submissions from 7 submitters: Pathogenic (1). 6 of the submissions do not count toward it. Last evaluated 2017-03-17.

Conditions:
CFTR-related disorder (CFTR-RD). Also called: CFTR-related disorders; CFTR-related condition. Identifiers: MedGen C5924204, MONDO:7770004.
Cystic fibrosis (CF). Also called: MUCOVISCIDOSIS. Identifiers: Orphanet 586, MedGen C0010674, MONDO:0009061, OMIM 219700. Disease mechanism: loss of function.

Submissions (7):

CFTR2
Classification: Pathogenic for Cystic fibrosis. Last evaluated: 2017-03-17. Review status: reviewed by expert panel. Criteria: Sosnay PR et al. (Nat Genet 2013). Collection method: research. Allele origin: germline. Affected: yes. Study: CFTR2.

Johns Hopkins Genomics, Johns Hopkins University
Classification: Pathogenic for Cystic fibrosis. Last evaluated: 2024-04-10. Review status: criteria provided, single submitter. Criteria: ACMG Guidelines, 2015. Collection method: clinical testing. Allele origin: germline. Not counted in ClinVar's aggregate classification.
Comment: Disease-causing CFTR variant. See CFTR2 for phenotype information.

Labcorp Genetics (formerly Invitae), Labcorp
Classification: Pathogenic for Cystic fibrosis. Last evaluated: 2023-10-13. Review status: criteria provided, single submitter. Criteria: Invitae Variant Classification Sherloc (09022015). Collection method: clinical testing. Allele origin: germline. Not counted in ClinVar's aggregate classification.
Comment: This sequence change affects an acceptor splice site in intron 8 of the CFTR gene. It is expected to disrupt RNA splicing. Variants that disrupt the donor or acceptor splice site typically lead to a loss of protein function (PMID: 16199547), and loss-of-function variants in CFTR are known to be pathogenic (PMID: 1695717, 7691345, 9725922). This variant is not present in population databases (gnomAD no frequency). Disruption of this splice site has been observed in individual(s) with cystic fibrosis (PMID: 23276700, 28608624). In at least one individual the data is consistent with being in trans (on the opposite chromosome) from a pathogenic variant. ClinVar contains an entry for this variant (Variation ID: 209059). Algorithms developed to predict the effect of sequence changes on RNA splicing suggest that this variant may disrupt the consensus splice site. For these reasons, this variant has been classified as Pathogenic.

Institute of Human Genetics, University of Leipzig Medical Center
Classification: Pathogenic for Cystic fibrosis. Last evaluated: 2022-09-05. Review status: criteria provided, single submitter. Criteria: ACMG Guidelines, 2015. Collection method: curation. Allele origin: unknown. Affected: yes. Observed: 1 variant allele. Not counted in ClinVar's aggregate classification.
Comment: The variant was classified in the context of a project re-classifying variants in the German Cystic Fibrosis Registry (Muko.e.V.). Criteria applied: PVS1, PS1_SUP, PM2_SUP, PM3_STR

Women's Health and Genetics/Laboratory Corporation of America, LabCorp
Classification: Pathogenic. Last evaluated: 2018-06-22. Review status: criteria provided, single submitter. Criteria: LabCorp Variant Classification Summary - May 2015. Collection method: clinical testing. Allele origin: germline. Not counted in ClinVar's aggregate classification.
Comment: Variant summary: CFTR c.1117-1G>A is located in a canonical splice-site and is predicted to affect mRNA splicing resulting in a significantly altered protein due to either exon skipping, shortening, or inclusion of intronic material. Several computational tools predict a significant impact on normal splicing: Two predict the variant abolishes a 3 acceptor site. Three predict the variant weakens a 3 acceptor site. However, these predictions have yet to be confirmed by functional studies. The variant was absent in 275668 control chromosomes (gnomAD). c.1117-1G>A has been reported in the literature in individuals affected with Cystic Fibrosis (Krenkova_2012, Lucarelli_2017), and is also listed as a disease variant, causing pancreatic insufficiency when combined with another variant that causes pancreatic insufficiency in the CFTR2 Mutation Database. These data indicate that the variant is very likely to be associated with disease. To our knowledge, no experimental evidence demonstrating an impact on protein function has been reported. ClinVar has got one entry for this variant (after 2014), without evidence for independent evaluation, and with a classification of "pathogenic" (submitted by CFTR2). Based on the evidence outlined above, the variant was classified as pathogenic.

Natera, Inc.
Classification: Pathogenic for CFTR-related disorders. Last evaluated: 2017-03-17. Review status: no assertion criteria provided. Collection method: clinical testing. Allele origin: germline. Not counted in ClinVar's aggregate classification.

Counsyl
Classification: Pathogenic for Cystic fibrosis. Last evaluated: 2017-02-08. Review status: no assertion criteria provided. Collection method: clinical testing. Allele origin: unknown. Not counted in ClinVar's aggregate classification.

Literature cited by the submitters: PubMed 16199547 (cited by Labcorp Genetics (formerly Invitae), Labcorp); PubMed 1695717 (cited by Labcorp Genetics (formerly Invitae), Labcorp); PubMed 7691345 (cited by Labcorp Genetics (formerly Invitae), Labcorp); PubMed 9725922 (cited by Labcorp Genetics (formerly Invitae), Labcorp); PubMed 23276700 (cited by 3 submitters); PubMed 28608624 (cited by Labcorp Genetics (formerly Invitae), Labcorp); PubMed 28736296 (cited by Women's Health and Genetics/Laboratory Corporation of America, LabCorp).

NM_000492.4(CFTR):c.1117-1G>A

Gene: CFTR (CF transmembrane conductance regulator; plus strand). Cytogenetic location: 7q31.2.
Variant type: single nucleotide variant.
Coding change: c.1117-1G>A on transcript NM_000492.4 (MANE Select); the canonical splice acceptor site of the intron before coding-DNA position 1117, G replaced by A.
Molecular consequence: splice acceptor variant.
Genome position (GRCh38, 1-based): chr7:117,542,015, G>A. VCF-style: chr7-117542015-G-A. GRCh37 (hg19) VCF-style: chr7-117182069-G-A.
Other names: 1249-1G->A.
Identifiers: ClinVar variation 209059 (VCV000209059.13), dbSNP rs797045160, ClinGen allele CA276114.